The following is an entry in ClinVar:

NM_014956.5(CEP164):c.155A>C (p.Glu52Ala)

Gene: CEP164 (centrosomal protein 164; plus strand). Cytogenetic location: 11q23.3.
Variant type: single nucleotide variant.
Coding change: c.155A>C on transcript NM_014956.5 (MANE Select); coding-DNA position 155, A replaced by C.
Protein change: p.Glu52Ala; replaces glutamic acid 52 with alanine.
Molecular consequence: missense variant.
Genome position (GRCh38, 1-based): chr11:117,344,238, A>C. VCF-style: chr11-117344238-A-C. GRCh37 (hg19) VCF-style: chr11-117214954-A-C.
Other names: c.155A>C, p.Glu52Ala (NM_001271933.2); c.155A>C (NM_014956.4); short protein forms E52A.
Identifiers: ClinVar variation 1467343 (VCV001467343.10), dbSNP rs541149150, ClinGen allele CA6294337.

ClinVar aggregate classification (germline): Uncertain significance. Review status: criteria provided, multiple submitters, no conflicts (2 of 4 stars). 3 submissions from 3 submitters: Uncertain significance (3). Last evaluated 2025-04-14.

Conditions:
CEP164-related disorder. Also called: CEP164-related condition.
Inborn genetic diseases. Identifiers: MedGen C0950123, MeSH D030342.
Nephronophthisis 15 (NPHP15). Identifiers: Orphanet 3156, MedGen C3541853, MONDO:0013917, OMIM 614845.

Allele frequency attached by ClinVar (database versions not stated): gnomAD exomes below 0.00001; ExAC 0.00001; gnomAD 0.00001; TOPMed 0.00001; 1000 Genomes Project 30x 0.00016; 1000 Genomes Project 0.00020.
gnomAD v4.1: 2 of 1,613,408 alleles (0.00012%); highest among the groups gnomAD compares: African/African-American, 0.0027%; no homozygotes.

Submissions (3):

Ambry Genetics
Classification: Uncertain significance for Inborn genetic diseases. Last evaluated: 2025-04-14. Review status: criteria provided, single submitter. Criteria: Ambry Variant Classification Scheme 2023. Collection method: clinical testing. Allele origin: germline.

PreventionGenetics, part of Exact Sciences
Classification: Uncertain significance for CEP164-related condition. Last evaluated: 2024-10-10. Review status: criteria provided, single submitter. Criteria: ACMG Guidelines, 2015. Collection method: clinical testing. Allele origin: germline.
Comment: The CEP164 c.155A>C variant is predicted to result in the amino acid substitution p.Glu52Ala. To our knowledge, this variant has not been reported in the literature. This variant is reported in 0.0063% of alleles in individuals of African descent in gnomAD. At this time, the clinical significance of this variant is uncertain due to the absence of conclusive functional and genetic evidence.

Labcorp Genetics (formerly Invitae), Labcorp
Classification: Uncertain significance for Nephronophthisis 15. Last evaluated: 2023-07-10. Review status: criteria provided, single submitter. Criteria: Invitae Variant Classification Sherloc (09022015). Collection method: clinical testing. Allele origin: germline.
Comment: An algorithm developed to predict the effect of missense changes on protein structure and function (PolyPhen-2) suggests that this variant is likely to be disruptive. In summary, the available evidence is currently insufficient to determine the role of this variant in disease. Therefore, it has been classified as a Variant of Uncertain Significance. ClinVar contains an entry for this variant (Variation ID: 1467343). This variant has not been reported in the literature in individuals affected with CEP164-related conditions. This variant is present in population databases (rs541149150, gnomAD 0.007%). This sequence change replaces glutamic acid, which is acidic and polar, with alanine, which is neutral and non-polar, at codon 52 of the CEP164 protein (p.Glu52Ala).